The following is an entry in ClinVar:

NM_144666.3(DNHD1):c.10372C>G (p.Arg3458Gly)

Gene: DNHD1 (dynein heavy chain domain 1; plus strand). Cytogenetic location: 11p15.4.
Variant type: single nucleotide variant.
Coding change: c.10372C>G on transcript NM_144666.3 (MANE Select); coding-DNA position 10372, C replaced by G.
Protein change: p.Arg3458Gly; replaces arginine 3458 with glycine.
Molecular consequence: missense variant.
Genome position (GRCh38, 1-based): chr11:6,564,420, C>G. VCF-style: chr11-6564420-C-G. GRCh37 (hg19) VCF-style: chr11-6585650-C-G.
Other names: short protein forms R3458G.
Identifiers: ClinVar variation 730968 (VCV000730968.6), dbSNP rs767337781, ClinGen allele CA217294920.
Genomic context (GRCh38, chr11:6,564,420, plus strand): 5'-TTTGGAGATACCCTCCTATGTTCAGCTGCCATCATCTACCTGGGTCCCTTCCCACCATTG[C>G]GGCGCCAAGAGCTACTGGACGAGTGGTTAGCTCTGTGTAGGGGCTTTCAGGAGGCTCTGG-3'
Protein context (NP_653267.2, residues 3448-3468): IIYLGPFPPL[Arg3458Gly]RQELLDEWLA

ClinVar aggregate classification (germline): Conflicting classifications of pathogenicity. Review status: criteria provided, conflicting classifications (1 of 4 stars). 3 submissions from 3 submitters: Uncertain significance (1); Likely benign (1). 1 of the submissions does not count toward it. Last evaluated 2024-12-23.

Conditions:
DNHD1-related disorder. Also called: DNHD1-related condition.

Allele frequency attached by ClinVar (database versions not stated): TOPMed 0.00007.
gnomAD v4.1: 61 of 1,551,570 alleles (0.0039%); highest among the groups gnomAD compares: Admixed American, 0.11%; no homozygotes.

Submissions (3):

Ambry Genetics
Classification: Uncertain significance. Last evaluated: 2024-12-23. Review status: criteria provided, single submitter. Criteria: Ambry Variant Classification Scheme 2023. Collection method: clinical testing. Allele origin: germline.

Labcorp Genetics (formerly Invitae), Labcorp
Classification: Likely benign. Last evaluated: 2018-12-13. Review status: criteria provided, single submitter. Criteria: Invitae Variant Classification Sherloc (09022015). Collection method: clinical testing. Allele origin: germline.

PreventionGenetics, part of Exact Sciences
Classification: Likely benign for DNHD1-related condition. Last evaluated: 2022-05-23. Review status: no assertion criteria provided. Collection method: clinical testing. Allele origin: germline. Not counted in ClinVar's aggregate classification.
Comment: This variant is classified as likely benign based on ACMG/AMP sequence variant interpretation guidelines (Richards et al. 2015 PMID: 25741868, with internal and published modifications).